The following is an entry in ClinVar:

NM_000057.4(BLM):c.3452T>G (p.Leu1151Arg)

Gene: BLM (BLM RecQ like helicase; plus strand). Cytogenetic location: 15q26.1.
Variant type: single nucleotide variant.
Coding change: c.3452T>G on transcript NM_000057.4 (MANE Select); coding-DNA position 3452, T replaced by G.
Protein change: p.Leu1151Arg; replaces leucine 1151 with arginine.
Molecular consequence: missense variant. On other transcripts: intron variant (1).
Genome position (GRCh38, 1-based): chr15:90,803,614, T>G. VCF-style: chr15-90803614-T-G. GRCh37 (hg19) VCF-style: chr15-91346844-T-G.
Other names: c.3452T>G (NM_000057.2); c.3452T>G, p.Leu1151Arg (NM_001287246.2); c.2327T>G, p.Leu776Arg (NM_001287248.2); c.3358+5277T>G (NM_001287247.2); short protein forms L1151R, L776R.
Identifiers: ClinVar variation 990972 (VCV000990972.2), dbSNP rs1897215897, ClinGen allele CA393847626.
Genomic context (GRCh38, chr15:90,803,614, plus strand): 5'-TTGGAAAAGGATCTGCTTATTCACGACACAATGCCGAAAGACTTTTTAAAAAGCTGATAC[T>G]TGACAAGATTTTGGATGAAGACTTATATATCAATGCCAATGACCAGGCGATCGCTTATGT-3'
Protein context (NP_000048.1, residues 1141-1161): NAERLFKKLI[Leu1151Arg]DKILDEDLYI

ClinVar aggregate classification (germline): Uncertain significance. Review status: criteria provided, single submitter (1 of 4 stars). 2 submissions from 2 submitters: Uncertain significance (1). 1 of the submissions does not count toward it. Last evaluated 2024-09-26.

Conditions:
Hereditary cancer-predisposing syndrome. Also called: Neoplastic Syndromes, Hereditary; Hereditary neoplastic syndrome; Tumor predisposition; Hereditary Cancer Syndrome. Identifiers: Orphanet 140162, MedGen C0027672, MeSH D009386, MONDO:0015356.
Bloom syndrome (BLM). Also called: Bloom-Torre-Machacek syndrome. Identifiers: Orphanet 125, MedGen C0005859, MONDO:0008876, OMIM 210900.

Submissions (2):

Ambry Genetics
Classification: Uncertain significance for Hereditary cancer-predisposing syndrome. Last evaluated: 2024-09-26. Review status: criteria provided, single submitter. Criteria: Ambry Variant Classification Scheme 2023. Collection method: clinical testing. Allele origin: germline.
Comment: The p.L1151R variant (also known as c.3452T>G), located in coding exon 17 of the BLM gene, results from a T to G substitution at nucleotide position 3452. The leucine at codon 1151 is replaced by arginine, an amino acid with dissimilar properties. This amino acid position is conserved. In addition, this alteration is predicted to be deleterious by in silico analysis. Based on the available evidence, the clinical significance of this variant remains unclear.

Natera, Inc.
Classification: Uncertain significance for Bloom syndrome. Last evaluated: 2020-04-24. Review status: no assertion criteria provided. Collection method: clinical testing. Allele origin: germline. Not counted in ClinVar's aggregate classification.